The following is an entry in ClinVar:

ClinVar aggregate classification (germline): Uncertain significance (1 of 4 stars; one submission).

Conditions:
Cardiac arrhythmia. Also called: Arrhythmia; Cardiac rhythm disease. Identifiers: MedGen C0003811, MONDO:0007263, HP:0011675.

Submission:

Color Diagnostics, LLC DBA Color Health
Classification: Uncertain significance for Cardiac arrhythmia. Last evaluated: 2025-07-25. Review status: criteria provided, single submitter. Criteria: ACMG Guidelines, 2015. Collection method: clinical testing. Allele origin: germline.
Comment: This missense variant replaces lysine with glutamic acid at codon 748 of the KCNH2 protein. Computational prediction suggests that this variant may have deleterious impact on protein structure and function. To our knowledge, functional studies have not been reported for this variant. This variant has not been reported in individuals affected with KCNH2-related disorders in the literature. This variant has not been identified in the general population by the Genome Aggregation Database (gnomAD). The available evidence is insufficient to determine the role of this variant in disease conclusively. Therefore, this variant is classified as a Variant of Uncertain Significance.

NM_000238.4(KCNH2):c.2242A>G (p.Lys748Glu)

Gene: KCNH2 (potassium voltage-gated channel subfamily H member 2; minus strand). Cytogenetic location: 7q36.1.
Variant type: single nucleotide variant.
Coding change: c.2242A>G on transcript NM_000238.4 (MANE Select); coding-DNA position 2242, A replaced by G.
Protein change: p.Lys748Glu; replaces lysine 748 with glutamic acid.
Molecular consequence: missense variant. On other transcripts: non-coding transcript variant (2).
Genome position (GRCh38, 1-based): chr7:150,950,324, T>C on the plus strand (A>G on the coding strand, the complement: KCNH2 is on the minus strand). VCF-style: chr7-150950324-T-C. GRCh37 (hg19) VCF-style: chr7-150647412-T-C.
Other names: c.1222A>G, p.Lys408Glu (NM_001204798.2, NM_172057.3); c.1954A>G, p.Lys652Glu (NM_001406753.1, NM_001406756.1); c.2065A>G, p.Lys689Glu (NM_001406755.1); c.1942A>G, p.Lys648Glu (NM_001406757.1); c.2242A>G, p.Lys748Glu (NM_172056.3); short protein forms K408E, K648E, K652E, K689E, K748E.
Identifiers: ClinVar variation 4759047 (VCV004759047.1).